The following is an entry in ClinVar:

ClinVar aggregate classification (germline): Uncertain significance (1 of 4 stars; one submission).

Conditions:
Familial cold autoinflammatory syndrome 4 (FCAS4). Identifiers: Orphanet 47045, Orphanet 576349, MedGen C4015276, MONDO:0014498, OMIM 616115.
Periodic fever-infantile enterocolitis-autoinflammatory syndrome. Also called: Autoinflammation with infantile enterocolitis. Identifiers: Orphanet 436166, MedGen C4015067, MONDO:0014472, OMIM 616050.

Submission:

Labcorp Genetics (formerly Invitae), Labcorp
Classification: Uncertain significance for Periodic fever-infantile enterocolitis-autoinflammatory syndrome; Familial cold autoinflammatory syndrome 4. Last evaluated: 2021-12-19. Review status: criteria provided, single submitter. Criteria: Invitae Variant Classification Sherloc (09022015). Collection method: clinical testing. Allele origin: germline.
Comment: In summary, the available evidence is currently insufficient to determine the role of this variant in disease. Therefore, it has been classified as a Variant of Uncertain Significance. Algorithms developed to predict the effect of sequence changes on RNA splicing suggest that this variant may create or strengthen a splice site. Algorithms developed to predict the effect of missense changes on protein structure and function (SIFT, PolyPhen-2, Align-GVGD) all suggest that this variant is likely to be tolerated. This variant has not been reported in the literature in individuals affected with NLRC4-related conditions. This variant is not present in population databases (gnomAD no frequency). This sequence change replaces glutamic acid, which is acidic and polar, with lysine, which is basic and polar, at codon 47 of the NLRC4 protein (p.Glu47Lys).

NM_001199138.2(NLRC4):c.139G>A (p.Glu47Lys)

Gene: NLRC4 (NLR family CARD domain containing 4; minus strand). Cytogenetic location: 2p22.3.
Variant type: single nucleotide variant.
Coding change: c.139G>A on transcript NM_001199138.2 (MANE Select); coding-DNA position 139, G replaced by A.
Protein change: p.Glu47Lys; replaces glutamic acid 47 with lysine.
Molecular consequence: missense variant.
Genome position (GRCh38, 1-based): chr2:32,252,542, C>T on the plus strand (G>A on the coding strand, the complement: NLRC4 is on the minus strand). VCF-style: chr2-32252542-C-T. GRCh37 (hg19) VCF-style: chr2-32477611-C-T.
Other names: c.139G>A, p.Glu47Lys (NM_021209.5, NM_001199139.2, NM_001302504.2); short protein forms E47K.
Identifiers: ClinVar variation 1373307 (VCV001373307.6), dbSNP rs2148943822, ClinGen allele CA346516907.
Genomic context (GRCh38, chr2:32,252,542, plus strand): 5'-TACAGGACTCTGAACCCTTTTTCAAAATCATGTGAATGATCCCTCTAGCAGCATCCTGCT[C>T]CACCTTCTCGCAGCAAATGATGTTTACTTCTTCGCGATTCAGAACATTCCATACAAATAG-3'
Protein context (NP_001186067.1, residues 37-57): EVNIICCEKV[Glu47Lys]QDAARGIIHM